The following is an entry in ClinVar:

ClinVar aggregate classification (germline): Likely benign (0 of 4 stars; one submission).

Conditions:
ADAR-related disorder. Also called: ADAR-related disorders; ADAR-related condition.

Allele frequency attached by ClinVar (database versions not stated): ExAC 0.00006; gnomAD exomes 0.00008; ESP Exome Variant Server 0.00017; 1000 Genomes Project 0.00020.

Submission:

PreventionGenetics, part of Exact Sciences
Classification: Likely benign for ADAR-related condition. Last evaluated: 2019-09-05. Review status: no assertion criteria provided. Collection method: clinical testing. Allele origin: germline.
Comment: This variant is classified as likely benign based on ACMG/AMP sequence variant interpretation guidelines (Richards et al. 2015 PMID: 25741868, with internal and published modifications).

NM_001365045.1(ADAR):c.42+3A>G

Gene: ADAR (adenosine deaminase RNA specific; minus strand). Cytogenetic location: 1q21.3.
Variant type: single nucleotide variant.
Coding change: c.42+3A>G on transcript NM_001365045.1; 3 bases into the intron after coding-DNA position 42, A replaced by G.
Molecular consequence: intron variant. On other transcripts: 5 prime UTR variant (1).
Genome position (GRCh38, 1-based): chr1:154,627,951, T>C on the plus strand (A>G on the coding strand, the complement: ADAR is on the minus strand). VCF-style: chr1-154627951-T-C. GRCh37 (hg19) VCF-style: chr1-154600427-T-C.
Other names: c.-967A>G (NM_001025107.3); c.-735+3A>G (NM_001365046.1).
Identifiers: ClinVar variation 3053371 (VCV003053371.2), dbSNP rs375889438, ClinGen allele CA1131866.